The following is an entry in ClinVar:

ClinVar aggregate classification (germline): Uncertain significance (1 of 4 stars; one submission).

Conditions:
Leber congenital amaurosis 7 (LCA7). Identifiers: Orphanet 65, MedGen C3151192, MONDO:0013449, OMIM 613829.
Cone-rod dystrophy 2 (CORD2). Also called: CONE-ROD RETINAL DYSTROPHY; Cone-rod retinal dystrophy 2. Identifiers: Orphanet 1872, MedGen C3489532, MONDO:0007362, OMIM 120970.

Submission:

Labcorp Genetics (formerly Invitae), Labcorp
Classification: Uncertain significance for Cone-rod dystrophy 2; Leber congenital amaurosis 7. Last evaluated: 2022-07-12. Review status: criteria provided, single submitter. Criteria: Invitae Variant Classification Sherloc (09022015). Collection method: clinical testing. Allele origin: germline.
Comment: In summary, the available evidence is currently insufficient to determine the role of this variant in disease. Therefore, it has been classified as a Variant of Uncertain Significance. This variant disrupts the p.Arg40 amino acid residue in CRX. Other variant(s) that disrupt this residue have been determined to be pathogenic (PMID: 26161267, 29785639, 31626798, 32533067). This suggests that this residue is clinically significant, and that variants that disrupt this residue are likely to be disease-causing. Algorithms developed to predict the effect of missense changes on protein structure and function (SIFT, PolyPhen-2, Align-GVGD) all suggest that this variant is likely to be disruptive. This variant has not been reported in the literature in individuals affected with CRX-related conditions. This variant is not present in population databases (gnomAD no frequency). This sequence change replaces arginine, which is basic and polar, with proline, which is neutral and non-polar, at codon 40 of the CRX protein (p.Arg40Pro).

Literature cited by the submitters: PubMed 26161267; PubMed 29785639; PubMed 31626798; PubMed 32533067.

NM_000554.6(CRX):c.119G>C (p.Arg40Pro)

Gene: CRX (cone-rod homeobox; plus strand). Cytogenetic location: 19q13.33.
Variant type: single nucleotide variant.
Coding change: c.119G>C on transcript NM_000554.6 (MANE Select); coding-DNA position 119, G replaced by C.
Protein change: p.Arg40Pro; replaces arginine 40 with proline.
Molecular consequence: missense variant.
Genome position (GRCh38, 1-based): chr19:47,836,261, G>C. VCF-style: chr19-47836261-G-C. GRCh37 (hg19) VCF-style: chr19-48339518-G-C.
Other names: short protein forms R40P.
Identifiers: ClinVar variation 2037356 (VCV002037356.4), dbSNP rs771450991, ClinGen allele CA406629427.